The following is an entry in ClinVar:

ClinVar aggregate classification (germline): Uncertain significance. Review status: criteria provided, multiple submitters, no conflicts (2 of 4 stars). 5 submissions from 5 submitters: Uncertain significance (5). Last evaluated 2025-11-26.

Conditions:
Hypertrophic cardiomyopathy 14. Identifiers: MedGen C2750467, MONDO:0013197, OMIM 613251.
Sick sinus syndrome 3, susceptibility to (SSS3). Identifiers: Orphanet 166282, MedGen C3279791, MONDO:0013568, OMIM 614090.
Hypertrophic cardiomyopathy 1 (CMH1). Also called: MYH7-Related Familial Hypertrophic Cardiomyopathy; Familial hypertrophic cardiomyopathy 1. Identifiers: MedGen C3495498, MONDO:0008647, OMIM 192600.
Dilated cardiomyopathy 1EE (CMD1EE). Identifiers: Orphanet 154, MedGen C2750466, MONDO:0013198, OMIM 613252.
Atrial septal defect 3 (ASD3). Identifiers: Orphanet 1478, MedGen C3279790, MONDO:0013567, OMIM 614089.
Cardiovascular phenotype. Identifiers: MedGen CN230736.

Allele frequency attached by ClinVar (database versions not stated): gnomAD 0.00001; TOPMed 0.00001; gnomAD exomes 0.00002 and 0.00004; ExAC 0.00007.
gnomAD v4.1: 35 of 1,611,700 alleles (0.0022%); highest among the groups gnomAD compares: Admixed American, 0.0033%; no homozygotes.

Submissions (5):

Labcorp Genetics (formerly Invitae), Labcorp
Classification: Uncertain significance for Hypertrophic cardiomyopathy 14. Last evaluated: 2025-11-26. Review status: criteria provided, single submitter. Criteria: Invitae Variant Classification Sherloc (09022015). Collection method: clinical testing. Allele origin: germline.
Comment: This sequence change replaces arginine, which is basic and polar, with glutamine, which is neutral and polar, at codon 1847 of the MYH6 protein (p.Arg1847Gln). This variant is present in population databases (rs767679378, gnomAD 0.006%). This variant has not been reported in the literature in individuals affected with MYH6-related conditions. ClinVar contains an entry for this variant (Variation ID: 264189). Invitae Evidence Modeling of protein sequence and biophysical properties (such as structural, functional, and spatial information, amino acid conservation, physicochemical variation, residue mobility, and thermodynamic stability) indicates that this missense variant is expected to disrupt MYH6 protein function with a positive predictive value of 80%. In summary, the available evidence is currently insufficient to determine the role of this variant in disease. Therefore, it has been classified as a Variant of Uncertain Significance.

Ambry Genetics
Classification: Uncertain significance for Cardiovascular phenotype. Last evaluated: 2025-07-21. Review status: criteria provided, single submitter. Criteria: Ambry Variant Classification Scheme 2023. Collection method: clinical testing. Allele origin: germline.
Comment: The p.R1847Q variant (also known as c.5540G>A), located in coding exon 34 of the MYH6 gene, results from a G to A substitution at nucleotide position 5540. The arginine at codon 1847 is replaced by glutamine, an amino acid with highly similar properties. This amino acid position is highly conserved in available vertebrate species. In addition, this alteration is predicted to be deleterious by in silico analysis. Since supporting evidence is limited at this time, the clinical significance of this alteration remains unclear.

Clinical Genetics Laboratory, Skane University Hospital Lund
Classification: Uncertain significance. Last evaluated: 2023-05-10. Review status: criteria provided, single submitter. Criteria: ACMG Guidelines, 2015. Collection method: clinical testing. Allele origin: germline. Affected: yes.

Fulgent Genetics
Classification: Uncertain significance for Hypertrophic cardiomyopathy 1; Hypertrophic cardiomyopathy 14; Dilated cardiomyopathy 1EE; Atrial septal defect 3; Sick sinus syndrome 3, susceptibility to. Last evaluated: 2021-10-05. Review status: criteria provided, single submitter. Criteria: ACMG Guidelines, 2015. Collection method: clinical testing. Allele origin: unknown.

Mayo Clinic Laboratories, Mayo Clinic
Classification: Uncertain significance. Last evaluated: 2021-05-05. Review status: criteria provided, single submitter. Criteria: ACMG Guidelines, 2015. Collection method: clinical testing. Allele origin: germline.

NM_002471.4(MYH6):c.5540G>A (p.Arg1847Gln)

Gene: MYH6 (myosin heavy chain 6; minus strand). Cytogenetic location: 14q11.2.
Variant type: single nucleotide variant.
Coding change: c.5540G>A on transcript NM_002471.4 (MANE Select); coding-DNA position 5540, G replaced by A.
Protein change: p.Arg1847Gln; replaces arginine 1847 with glutamine.
Molecular consequence: missense variant.
Genome position (GRCh38, 1-based): chr14:23,384,467, C>T on the plus strand (G>A on the coding strand, the complement: MYH6 is on the minus strand). VCF-style: chr14-23384467-C-T. GRCh37 (hg19) VCF-style: chr14-23853676-C-T.
Other names: p.Arg1847Gln; short protein forms R1847Q.
Identifiers: ClinVar variation 264189 (VCV000264189.22), dbSNP rs767679378, ClinGen allele CA7114405.